The following is an entry in ClinVar:

ClinVar aggregate classification (germline): Uncertain significance (1 of 4 stars; one submission).

Allele frequency attached by ClinVar (database versions not stated): gnomAD exomes 0.00001; TOPMed 0.00002; gnomAD 0.00003.
gnomAD v4.1: 19 of 1,613,578 alleles (0.0012%); highest among the groups gnomAD compares: African/African-American, 0.004%; no homozygotes.

Submission:

Labcorp Genetics (formerly Invitae), Labcorp
Classification: Uncertain significance. Last evaluated: 2021-12-27. Review status: criteria provided, single submitter. Criteria: Invitae Variant Classification Sherloc (09022015). Collection method: clinical testing. Allele origin: germline.
Comment: This variant has not been reported in the literature in individuals affected with CEP63-related conditions. This sequence change replaces methionine, which is neutral and non-polar, with valine, which is neutral and non-polar, at codon 638 of the CEP63 protein (p.Met638Val). This variant is present in population databases (no rsID available, gnomAD 0.01%). Algorithms developed to predict the effect of missense changes on protein structure and function output the following: SIFT: "Tolerated"; PolyPhen-2: "Benign"; Align-GVGD: "Class C0". The valine amino acid residue is found in multiple mammalian species, which suggests that this missense change does not adversely affect protein function. In summary, the available evidence is currently insufficient to determine the role of this variant in disease. Therefore, it has been classified as a Variant of Uncertain Significance.

NM_001353108.3(CEP63):c.1912A>G (p.Met638Val)

Gene: CEP63 (centrosomal protein 63; plus strand). Cytogenetic location: 3q22.2.
Variant type: single nucleotide variant.
Coding change: c.1912A>G on transcript NM_001353108.3 (MANE Select); coding-DNA position 1912, A replaced by G.
Protein change: p.Met638Val; replaces methionine 638 with valine.
Molecular consequence: missense variant. On other transcripts: non-coding transcript variant (1), intron variant (17).
Genome position (GRCh38, 1-based): chr3:134,559,388, A>G. VCF-style: chr3-134559388-A-G. GRCh37 (hg19) VCF-style: chr3-134278230-A-G.
Other names: c.1774A>G, p.Met592Val (NM_001353109.1); c.1912A>G, p.Met638Val (NM_025180.5); c.1467+7376A>G (NM_001353113.1, NM_001353117.2); c.1329+7376A>G (NM_001042384.2, NM_001353124.2, NM_001353123.2); c.1330-1989A>G (NM_001353122.1, NM_001042383.2, NM_001353121.2 and 2 more transcripts); c.1468-1989A>G (NM_001353110.1, NM_001353112.2, NM_001353111.2 and 1 more transcripts); c.1357-1989A>G (NM_001353118.1); c.967-1989A>G (NM_001353126.2); and 1 more; short protein forms M638V, M592V.
Identifiers: ClinVar variation 2188965 (VCV002188965.3), dbSNP rs1405333649, ClinGen allele CA354634234.